The following is an entry in ClinVar:

NM_018060.4(IARS2):c.268-12_268-8del

Gene: IARS2 (isoleucyl-tRNA synthetase 2, mitochondrial; plus strand). Cytogenetic location: 1q41.
Variant type: Deletion.
Coding change: c.268-12_268-8del on transcript NM_018060.4 (MANE Select); 12 bases into the intron before coding-DNA position 268 through 8 bases into the intron before coding-DNA position 268, 5 bases deleted (TTTTT; older notation c.268-12_268-8delTTTTT).
Molecular consequence: intron variant.
Genome position (GRCh38, 1-based): chr1:220,096,092-220,096,096, TTTTT deleted; deleting any 5 consecutive bases within chr1:220,096,085-220,096,096 gives the same sequence; the c. name uses the placement nearest the transcript's 3' end. VCF-style (leftmost placement, unchanged base first): chr1-220096084-CTTTTT-C. GRCh37 (hg19) VCF-style: chr1-220269426-CTTTTT-C.
Identifiers: ClinVar variation 1908239 (VCV001908239.5), dbSNP rs376359534, ClinGen allele CA731770613.

ClinVar aggregate classification (germline): Uncertain significance (1 of 4 stars; one submission).

Submission:

Labcorp Genetics (formerly Invitae), Labcorp
Classification: Uncertain significance. Last evaluated: 2022-10-17. Review status: criteria provided, single submitter. Criteria: Invitae Variant Classification Sherloc (09022015). Collection method: clinical testing. Allele origin: germline.
Comment: Algorithms developed to predict the effect of sequence changes on RNA splicing suggest that this variant may create or strengthen a splice site. This variant has not been reported in the literature in individuals affected with IARS2-related conditions. This variant is not present in population databases (gnomAD no frequency). This sequence change falls in intron 1 of the IARS2 gene. It does not directly change the encoded amino acid sequence of the IARS2 protein. In summary, the available evidence is currently insufficient to determine the role of this variant in disease. Therefore, it has been classified as a Variant of Uncertain Significance.